The following is an entry in ClinVar:

NM_000263.4(NAGLU):c.1946G>C (p.Trp649Ser)

Gene: NAGLU (N-acetyl-alpha-glucosaminidase; plus strand). Cytogenetic location: 17q21.2.
Variant type: single nucleotide variant.
Coding change: c.1946G>C on transcript NM_000263.4 (MANE Select); coding-DNA position 1946, G replaced by C.
Protein change: p.Trp649Ser; replaces tryptophan 649 with serine.
Molecular consequence: missense variant.
Genome position (GRCh38, 1-based): chr17:42,543,952, G>C. VCF-style: chr17-42543952-G-C. GRCh37 (hg19) VCF-style: chr17-40695970-G-C.
Other names: c.1946G>C (NM_000263.3); short protein forms W649S.
Identifiers: ClinVar variation 2929124 (VCV002929124.4), dbSNP rs527236038, ClinGen allele CA8577125.

ClinVar aggregate classification (germline): Likely pathogenic. Review status: criteria provided, multiple submitters, no conflicts (2 of 4 stars). 2 submissions from 2 submitters: Likely pathogenic (2). Last evaluated 2025-11-19.

Conditions:
Mucopolysaccharidosis, MPS-III-B (MPS3B). Also called: N-ACETYL-ALPHA-D-GLUCOSAMINIDASE DEFICIENCY; NAGLU DEFICIENCY; SANFILIPPO SYNDROME B; MPS III B; Mucopolysaccharidosis type IIIB (Sanfilippo B); MUCOPOLYSACCHARIDOSIS, TYPE IIIB. Identifiers: Orphanet 79270, MedGen C0086648, MONDO:0009656, OMIM 252920.
Charcot-Marie-Tooth disease axonal type 2V. Also called: CHARCOT-MARIE-TOOTH NEUROPATHY, TYPE 2V; CHARCOT-MARIE-TOOTH DISEASE, AXONAL, AUTOSOMAL DOMINANT, TYPE 2V. Identifiers: Orphanet 447964, MedGen C5569050, MONDO:0014665, OMIM 616491.

Allele frequency attached by ClinVar (database versions not stated): ExAC 0.00001.

Submissions (2):

Natera, Inc.
Classification: Likely pathogenic for Mucopolysaccharidosis type IIIB. Last evaluated: 2025-11-19. Review status: criteria provided, single submitter. Criteria: Natera Variant Classification Schema (03/2026). Collection method: clinical testing. Allele origin: germline.
Comment: The c.1946G>C variant in NAGLU is a missense variant predicted to cause substitution of tryptophan to serine at amino acid 649. This variant is rare in the general population with a frequency below the threshold expected for the associated phenotype(s). Functional studies show that this variant may disrupt protein function (PMID: 29979746). A different variant at the same position has been determined to be Pathogenic or Likely Pathogenic. Computational prediction algorithms indicate this variant is likely to affect gene or protein function. Given the available evidence, this variant is classified as Likely Pathogenic.

Labcorp Genetics (formerly Invitae), Labcorp
Classification: Likely pathogenic for Charcot-Marie-Tooth disease axonal type 2V; Mucopolysaccharidosis, MPS-III-B. Last evaluated: 2023-09-15. Review status: criteria provided, single submitter. Criteria: Invitae Variant Classification Sherloc (09022015). Collection method: clinical testing. Allele origin: germline.
Comment: In summary, the currently available evidence indicates that the variant is pathogenic, but additional data are needed to prove that conclusively. Therefore, this variant has been classified as Likely Pathogenic. This variant disrupts the p.Trp649 amino acid residue in NAGLU. Other variant(s) that disrupt this residue have been determined to be pathogenic (PMID: 11153910, 23661660). This suggests that this residue is clinically significant, and that variants that disrupt this residue are likely to be disease-causing. Experimental studies have shown that this missense change affects NAGLU function (PMID: 29979746). Advanced modeling of protein sequence and biophysical properties (such as structural, functional, and spatial information, amino acid conservation, physicochemical variation, residue mobility, and thermodynamic stability) performed at Invitae indicates that this missense variant is expected to disrupt NAGLU protein function. This variant has not been reported in the literature in individuals affected with NAGLU-related conditions. This variant is present in population databases (rs527236038, gnomAD 0.0009%). This sequence change replaces tryptophan, which is neutral and slightly polar, with serine, which is neutral and polar, at codon 649 of the NAGLU protein (p.Trp649Ser).

Literature cited by the submitters: PubMed 29979746 (cited by Natera, Inc. and Labcorp Genetics (formerly Invitae), Labcorp); PubMed 11153910 (cited by Labcorp Genetics (formerly Invitae), Labcorp); PubMed 23661660 (cited by Labcorp Genetics (formerly Invitae), Labcorp).